The following is an entry in ClinVar:

NM_001267550.2(TTN):c.73042A>G (p.Ile24348Val)

Genes: TTN (titin; minus strand), TTN-AS1 (TTN antisense RNA 1; plus strand). Cytogenetic location: 2q31.2.
Variant type: single nucleotide variant.
Coding change: c.73042A>G on transcript NM_001267550.2 (MANE Select); coding-DNA position 73042, A replaced by G.
Protein change: p.Ile24348Val; replaces isoleucine 24348 with valine.
Molecular consequence: missense variant.
Genome position (GRCh38, 1-based): chr2:178,573,090, T>C on the plus strand (A>G on the coding strand, the complement: TTN is on the minus strand). VCF-style: chr2-178573090-T-C. GRCh37 (hg19) VCF-style: chr2-179437817-T-C.
Other names: c.68119A>G, p.Ile22707Val (NM_001256850.1); c.45847A>G, p.Ile15283Val (NM_003319.4); c.65338A>G, p.Ile21780Val (NM_133378.4); c.46222A>G, p.Ile15408Val (NM_133432.3); c.46423A>G, p.Ile15475Val (NM_133437.4); short protein forms I15475V, I21780V, I24348V, I15283V, I15408V, I22707V.
Identifiers: ClinVar variation 1741659 (VCV001741659.2), dbSNP rs1708838358, ClinGen allele CA349644273.

ClinVar aggregate classification (germline): Uncertain significance (1 of 4 stars; one submission).

Conditions:
Cardiovascular phenotype. Identifiers: MedGen CN230736.

gnomAD v4.1: 2 of 1,613,252 alleles (0.00012%); highest among the groups gnomAD compares: African/African-American, 0.0013%; no homozygotes.

Submission:

Ambry Genetics
Classification: Uncertain significance for Cardiovascular phenotype. Last evaluated: 2020-03-24. Review status: criteria provided, single submitter. Criteria: Ambry Variant Classification Scheme 2023. Collection method: clinical testing. Allele origin: germline.
Comment: The p.I15283V variant (also known as c.45847A>G), located in coding exon 153 of the TTN gene, results from an A to G substitution at nucleotide position 45847. The isoleucine at codon 15283 is replaced by valine, an amino acid with highly similar properties. This amino acid position is not well conserved in available vertebrate species. In addition, this alteration is predicted to be tolerated by in silico analysis. Since supporting evidence is limited at this time, the clinical significance of this alteration remains unclear.